The following is an entry in ClinVar:

NM_000553.6(WRN):c.1000A>G (p.Arg334Gly)

Gene: WRN (WRN RecQ like helicase; plus strand). Cytogenetic location: 8p12.
Variant type: single nucleotide variant.
Coding change: c.1000A>G on transcript NM_000553.6 (MANE Select); coding-DNA position 1000, A replaced by G.
Protein change: p.Arg334Gly; replaces arginine 334 with glycine.
Molecular consequence: missense variant.
Genome position (GRCh38, 1-based): chr8:31,081,027, A>G. VCF-style: chr8-31081027-A-G. GRCh37 (hg19) VCF-style: chr8-30938543-A-G.
Other names: short protein forms R334G.
Identifiers: ClinVar variation 2759683 (VCV002759683.3), dbSNP rs2535910349, ClinGen allele CA370920189.
Genomic context (GRCh38, chr8:31,081,027, plus strand): 5'-AATTTAAACTTATTATCCTTTGAAGATTCAACTACTGGGGGAGTACAACAGAAACAAATT[A>G]GAGAACATGAAGTTTTAATTCACGTTGAAGATGAAACATGGGACCCAACACTTGATCATT-3'
Protein context (NP_000544.2, residues 324-344): TTGGVQQKQI[Arg334Gly]EHEVLIHVED

ClinVar aggregate classification (germline): Uncertain significance (1 of 4 stars; one submission).

Conditions:
Werner syndrome (WRN). Identifiers: Orphanet 902, MedGen C0043119, MONDO:0010196, OMIM 277700.

Submission:

Labcorp Genetics (formerly Invitae), Labcorp
Classification: Uncertain significance for Werner syndrome. Last evaluated: 2023-09-10. Review status: criteria provided, single submitter. Criteria: Invitae Variant Classification Sherloc (09022015). Collection method: clinical testing. Allele origin: germline.
Comment: In summary, the available evidence is currently insufficient to determine the role of this variant in disease. Therefore, it has been classified as a Variant of Uncertain Significance. Algorithms developed to predict the effect of missense changes on protein structure and function output the following: SIFT: "Not Available"; PolyPhen-2: "Benign"; Align-GVGD: "Not Available". The glycine amino acid residue is found in multiple mammalian species, which suggests that this missense change does not adversely affect protein function. This variant has not been reported in the literature in individuals affected with WRN-related conditions. This variant is not present in population databases (gnomAD no frequency). This sequence change replaces arginine, which is basic and polar, with glycine, which is neutral and non-polar, at codon 334 of the WRN protein (p.Arg334Gly).